The following is an entry in ClinVar:

NM_170707.4(LMNA):c.1489-1G>A

Gene: LMNA (lamin A/C; plus strand). Cytogenetic location: 1q22.
Variant type: single nucleotide variant.
Coding change: c.1489-1G>A on transcript NM_170707.4 (MANE Select); the canonical splice acceptor site of the intron before coding-DNA position 1489, G replaced by A.
Molecular consequence: splice acceptor variant.
Genome position (GRCh38, 1-based): chr1:156,137,112, G>A. VCF-style: chr1-156137112-G-A. GRCh37 (hg19) VCF-style: chr1-156106903-G-A.
Other names: c.1489-1G>A (NM_001406983.1, NM_001282625.2, NM_001406984.1 and 6 more transcripts); c.931-1G>A (NM_001407002.1, NM_001406993.1, NM_001407003.1 and 4 more transcripts); c.865-1G>A (NM_001406999.1, NM_001407000.1, NM_001406994.1 and 1 more transcripts); c.1246-1G>A (NM_001406986.1, NM_001406987.1, NM_001282624.2); c.1153-1G>A (NM_001406989.1, NM_001257374.3, NM_001406998.1); c.1192-1G>A (NM_001406988.1).
Identifiers: ClinVar variation 3229275 (VCV003229275.1), dbSNP rs1231097123, ClinGen allele CA342822916.
Genomic context (GRCh38, chr1:156,137,112, plus strand): 5'-TCTGGGGAGGCCTTGGGTGGCGATGGGAGCGCTGGGGTAAGTGTCCTTTTCTCCTCTCCA[G>A]ATCTGGGCTGCAGGAGCTGGGGCCACCCACAGCCCCCCTACCGACCTGGTGTGGAAGGCA-3'

ClinVar aggregate classification (germline): Likely pathogenic (1 of 4 stars; one submission).

Conditions:
Cardiovascular phenotype. Identifiers: MedGen CN230736.

Submission:

Ambry Genetics
Classification: Likely pathogenic for Cardiovascular phenotype. Last evaluated: 2023-10-02. Review status: criteria provided, single submitter. Criteria: Ambry Variant Classification Scheme 2023. Collection method: clinical testing. Allele origin: germline.
Comment: The c.1489-1G>A intronic variant results from a G to A substitution one nucleotide before coding exon 9 of the LMNA gene. This variant is considered to be rare based on population cohorts in the Genome Aggregation Database (gnomAD). This variant has been detected in a dilated cardiomyopathy cohort; however, details were limited (Augusto JB et al. Eur Heart J Cardiovasc Imaging, 2020 Mar;21:326-336). This nucleotide position is highly conserved in available vertebrate species. In silico splice site analysis predicts that this alteration will weaken the native splice acceptor site and will result in the creation or strengthening of a novel splice acceptor site. Alterations that disrupt the canonical splice site are expected to cause aberrant splicing, resulting in an abnormal protein or a transcript that is subject to nonsense-mediated mRNA decay. As such, this alteration is classified as likely pathogenic.

Literature cited by the submitters: PubMed 31317183.